The following continues an entry in ClinVar:

NM_000243.3(MEFV):c.1105C>T (p.Pro369Ser)

Gene: MEFV. ClinVar aggregate classification (germline): Conflicting classifications of pathogenicity. Likely pathogenic (1); Uncertain significance (10); Benign (2); Likely benign (5).

Submissions 17 to 22 of 22:

Eurofins Ntd Llc (ga)
Classification: Likely pathogenic. Last evaluated: 2014-09-29. Review status: criteria provided, single submitter. Criteria: EGL Classification Definitions 2015. Collection method: clinical testing. Allele origin: germline. Observed: 36 variant alleles, 36 heterozygotes.

PreventionGenetics, part of Exact Sciences
Classification: Benign. Review status: criteria provided, single submitter. Criteria: ACMG Guidelines, 2015. Collection method: clinical testing. Allele origin: germline.

Natera, Inc.
Classification: Uncertain significance for Familial Mediterranean fever. Last evaluated: 2020-01-06. Review status: no assertion criteria provided. Collection method: clinical testing. Allele origin: germline. Not counted in ClinVar's aggregate classification.

OMIM
Classification: Uncertain significance for RECLASSIFIED - VARIANT OF UNKNOWN SIGNIFICANCE. Last evaluated: 2013-01-01. Review status: no assertion criteria provided. Collection method: literature only. Allele origin: germline. Not counted in ClinVar's aggregate classification.

Department of Pathology and Laboratory Medicine, Sinai Health System
Classification: Uncertain significance. Review status: no assertion criteria provided. Collection method: clinical testing. Allele origin: unknown. Affected: yes. Study: The Canadian Open Genetics Repository (COGR). Not counted in ClinVar's aggregate classification.
Comment: The MEFV p.Pro369Ser variant a well-studied variant in association with Familial Mediterranean Fever (FMF) and has been identified in 104 of 5484 proband chromosomes from multiple patients with the FMF phenotype (freq=0.019), however the role of this variant in disease is unclear (Migita_2014_PMID:24797171; Cazeneuve_1999_PMID:10364520; Aksentijevich_1999_PMID:10090880; Caglayan_2010_PMID:19934083; Migita_2012_PMID:22467954; Berdeli_2011_PMID:21413889). The variant was also identified in dbSNP (ID: rs11466023), LOVD 3.0 and ClinVar (classified in relation to FMF as benign [Prevention Genetics], likely pathogenic ([EGL Genetic Diagnostics, 2014], pathogenic [GeneReviews, 2016], Â¬â€ Uncertain significance [OMIM 2013; Integrated Genetics/Laboratory Corporation of America 2015; Integrated Genetics/Laboratory Corporation of America 2017; Invitae 2018; ARUP Laboratories 2017; GeneDx 2017; Praxis fuer Humangenetik Tuebingen 2016]). The variant was not identified in the Cosmic database. The variant was identified in control databases in 4150 of 282228 chromosomes (86 homozygous) at a frequency of 0.014704 increasing the likelihood this could be a low frequency benign variant (Genome Aggregation Database Feb 27, 2017). The variant was observed in the following populations: East Asian in 1425 of 19936 chromosomes (freq: 0.07148), Ashkenazi Jewish in 302 of 10358 chromosomes (freq: 0.02916), South Asian in 472 of 30616 chromosomes (freq: 0.01542), European (Finnish) in 363 of 25100 chromosomes (freq: 0.01446), Other in 96 of 7214 chromosomes (freq: 0.01331), European (non-Finnish) in 1178 of 128636 chromosomes (freq: 0.009158), Latino in 213 of 35426 chromosomes (freq: 0.006013), and African in 101 of 24942 chromosomes (freq: 0.004049). The P369S variant is often found as a complex allele with the MEFV R408Q variant. Bonyadi et al. (2009) identified the P369 variant in 7/524 Azeri Turkish FMF patients as a complex allele with R408Q; 4 of these patients were also compound heterozygous for another MEFV variant (Bonyadi_2009_PMID: 19863562). Migita et al. (2014) also identified the variant as a complex allele with R408Q variant in 9/178 patients with typical FMF and 28/133 patients with atypical FMF; in 8 of these typical FMF and 15 of these atypical FMF patients the variant was present in the compound heterozygous state with at least one other MEFV variant (Migita_2014_PMID:24797171). Ryan et al. (2010) identified 35/40 symptomatic and 4 asymptomatic FMF family members with the R408Q/P369S complex allele, with the other 5/40 symptomatic family members only having the P369S variant. Functional studies of these variants did not demonstrate a significant difference from the wildtype in the ability of pyrin to bind to PSTPIP1, therefore the role of these variants in FMF and their potential functional impact is not known (Ryan_2010_PMID: 19934105). There are also multiple case reports in which patients with atypical or late onset FMF are found to have the p.Pro369Ser variant along with other MEFV variants (Kitade_2015_PMID:26027984; Yamagami_2017_PMID:28001092). Hannan et al reported an atypical case of FMF with a late onset of attacks who was found to have the P369S/R408Q complex allele as well as the E148Q MEFV variant; this suggests a highly variable clinical phenotype of FMF (Hannan_2012_PMID:22906030). The p.Pro369 residue is conserved across mammals and other organisms, and four out of five computational analyses (PolyPhen-2, SIFT, AlignGVGD, BLOSUM, MutationTaster) suggest that the variant may impact the protein; however, this information is not predictive enough to assume pathogenicity. The variant occurs outside of the splicing consensus sequence and in silico or computational prediction software programs (SpliceSiteFinder, MaxEntScan, NNSPLICE, GeneSplicer) do not predict a difference in splicing. In summary, based on the above information the clinical significance of this variant cannot be determined with certainty at this time. This variant is classified as a variant of uncertain significance, although we would suggest that this variant may be a low penetrant allele and contribute to FMF in an autosomal recessive manner.

GeneReviews
No classification provided. Condition: Familial Mediterranean fever. Review status: no classification provided. Collection method: literature only. Allele origin: germline. Affected: yes. Not counted in ClinVar's aggregate classification.

Literature cited by the submitters: PubMed 10364520 (cited by 3 submitters); PubMed 10090880 (cited by 5 submitters); PubMed 19934105 (cited by 5 submitters); PubMed 18097735 (cited by Women's Health and Genetics/Laboratory Corporation of America, LabCorp); PubMed 10842288 (cited by Women's Health and Genetics/Laboratory Corporation of America, LabCorp); PubMed 19449169 (cited by Women's Health and Genetics/Laboratory Corporation of America, LabCorp); PubMed 16802374 (cited by Women's Health and Genetics/Laboratory Corporation of America, LabCorp); PubMed 19253030 (cited by Women's Health and Genetics/Laboratory Corporation of America, LabCorp); PubMed 17566872 (cited by Women's Health and Genetics/Laboratory Corporation of America, LabCorp); PubMed 15951859 (cited by Women's Health and Genetics/Laboratory Corporation of America, LabCorp); PubMed 21413889 (cited by Women's Health and Genetics/Laboratory Corporation of America, LabCorp); PubMed 22467954 (cited by Women's Health and Genetics/Laboratory Corporation of America, LabCorp and Quest Diagnostics Nichols Institute San Juan Capistrano); PubMed 19934083 (cited by Women's Health and Genetics/Laboratory Corporation of America, LabCorp and Illumina Laboratory Services, Illumina); PubMed 23524442 (cited by Women's Health and Genetics/Laboratory Corporation of America, LabCorp and Quest Diagnostics Nichols Institute San Juan Capistrano); PubMed 22906030 (cited by Women's Health and Genetics/Laboratory Corporation of America, LabCorp and Quest Diagnostics Nichols Institute San Juan Capistrano); PubMed 23847694 (cited by Women's Health and Genetics/Laboratory Corporation of America, LabCorp); PubMed 23302539 (cited by Women's Health and Genetics/Laboratory Corporation of America, LabCorp); PubMed 25615955 (cited by Women's Health and Genetics/Laboratory Corporation of America, LabCorp); PubMed 25703702 (cited by Women's Health and Genetics/Laboratory Corporation of America, LabCorp); PubMed 27659338 (cited by Women's Health and Genetics/Laboratory Corporation of America, LabCorp); PubMed 29178647 (cited by Women's Health and Genetics/Laboratory Corporation of America, LabCorp and Quest Diagnostics Nichols Institute San Juan Capistrano); PubMed 29148036 (cited by Women's Health and Genetics/Laboratory Corporation of America, LabCorp); PubMed 30407166 (cited by Women's Health and Genetics/Laboratory Corporation of America, LabCorp); PubMed 29526930 (cited by Women's Health and Genetics/Laboratory Corporation of America, LabCorp); PubMed 27473114 (cited by Women's Health and Genetics/Laboratory Corporation of America, LabCorp); PubMed 31411330 (cited by Women's Health and Genetics/Laboratory Corporation of America, LabCorp); PubMed 31620089 (cited by Women's Health and Genetics/Laboratory Corporation of America, LabCorp); PubMed 31531243 (cited by Women's Health and Genetics/Laboratory Corporation of America, LabCorp); PubMed 20041150 (cited by Quest Diagnostics Nichols Institute San Juan Capistrano and Ambry Genetics); PubMed 20981092 (cited by Quest Diagnostics Nichols Institute San Juan Capistrano); PubMed 23981758 (cited by Quest Diagnostics Nichols Institute San Juan Capistrano); PubMed 22995991 (cited by Quest Diagnostics Nichols Institute San Juan Capistrano and OMIM); PubMed 24082139 (cited by Quest Diagnostics Nichols Institute San Juan Capistrano); PubMed 23400211 (cited by Quest Diagnostics Nichols Institute San Juan Capistrano); PubMed 22975760 (cited by Quest Diagnostics Nichols Institute San Juan Capistrano); PubMed 23291246 (cited by Quest Diagnostics Nichols Institute San Juan Capistrano); PubMed 24965843 (cited by Quest Diagnostics Nichols Institute San Juan Capistrano); PubMed 24797171 (cited by Quest Diagnostics Nichols Institute San Juan Capistrano and Ambry Genetics); PubMed 23907647 (cited by Quest Diagnostics Nichols Institute San Juan Capistrano); PubMed 26027984 (cited by Quest Diagnostics Nichols Institute San Juan Capistrano); PubMed 25708585 (cited by Quest Diagnostics Nichols Institute San Juan Capistrano); PubMed 25959027 (cited by Quest Diagnostics Nichols Institute San Juan Capistrano); PubMed 27884173 (cited by Quest Diagnostics Nichols Institute San Juan Capistrano); PubMed 26360812 (cited by Quest Diagnostics Nichols Institute San Juan Capistrano); PubMed 27535533 (cited by Quest Diagnostics Nichols Institute San Juan Capistrano); PubMed 28573371 (cited by Quest Diagnostics Nichols Institute San Juan Capistrano); PubMed 28001092 (cited by Quest Diagnostics Nichols Institute San Juan Capistrano); PubMed 28927886 (cited by Quest Diagnostics Nichols Institute San Juan Capistrano); NCBI Bookshelf NBK1227 (cited by GeneReviews).